The following is an entry in ClinVar:

ClinVar aggregate classification (germline): Uncertain significance (1 of 4 stars; one submission).

Conditions:
Hereditary cancer-predisposing syndrome. Also called: Neoplastic Syndromes, Hereditary; Tumor predisposition; Hereditary Cancer Syndrome; Hereditary neoplastic syndrome. Identifiers: Orphanet 140162, MedGen C0027672, MeSH D009386, MONDO:0015356.

Submission:

Ambry Genetics
Classification: Uncertain significance for Hereditary cancer-predisposing syndrome. Last evaluated: 2026-04-05. Review status: criteria provided, single submitter. Criteria: Ambry Variant Classification Scheme 2023. Collection method: clinical testing. Allele origin: germline.
Comment: The p.S1863R variant (also known as c.5587A>C), located in coding exon 15 of the APC gene, results from an A to C substitution at nucleotide position 5587. The serine at codon 1863 is replaced by arginine, an amino acid with dissimilar properties. This amino acid position is conserved. In addition, in silico predictors for this gene do not accurately predict pathogenicity. Based on the available evidence, the clinical significance of this variant remains unclear.

NM_000038.6(APC):c.5587A>C (p.Ser1863Arg)

Gene: APC (APC regulator of Wnt signaling pathway; plus strand). Cytogenetic location: 5q22.2.
Variant type: single nucleotide variant.
Coding change: c.5587A>C on transcript NM_000038.6 (MANE Select); coding-DNA position 5587, A replaced by C.
Protein change: p.Ser1863Arg; replaces serine 1863 with arginine.
Molecular consequence: missense variant. On other transcripts: non-coding transcript variant (2).
Genome position (GRCh38, 1-based): chr5:112,841,181, A>C. VCF-style: chr5-112841181-A-C. GRCh37 (hg19) VCF-style: chr5-112176878-A-C.
Other names: c.5587A>C, p.Ser1863Arg (NM_001127510.3, NM_001354895.2, NM_001407450.1); c.5533A>C, p.Ser1845Arg (NM_001127511.3); c.5641A>C, p.Ser1881Arg (NM_001354896.2, NM_001407447.1, NM_001407448.1 and 1 more transcripts); c.5617A>C, p.Ser1873Arg (NM_001354897.2); c.5566A>C, p.Ser1856Arg (NM_001407451.1); c.5557A>C, p.Ser1853Arg (NM_001407452.1); c.5410A>C, p.Ser1804Arg (NM_001407453.1, NM_001354901.2); c.5338A>C, p.Ser1780Arg (NM_001407454.1, NM_001407455.1, NM_001407456.1 and 1 more transcripts); and 11 more; short protein forms S1479R, S1580R, S1703R, S1734R, S1737R, S1762R, S1772R, S1780R.
Identifiers: ClinVar variation 4861127 (VCV004861127.1).